The following is an entry in ClinVar:

NM_001330078.2(NRXN1):c.121A>C (p.Thr41Pro)

Gene: NRXN1 (neurexin 1; minus strand). Cytogenetic location: 2p16.3.
Variant type: single nucleotide variant.
Coding change: c.121A>C on transcript NM_001330078.2 (MANE Select); coding-DNA position 121, A replaced by C.
Protein change: p.Thr41Pro; replaces threonine 41 with proline.
Molecular consequence: missense variant.
Genome position (GRCh38, 1-based): chr2:51,028,153, T>G on the plus strand (A>C on the coding strand, the complement: NRXN1 is on the minus strand). VCF-style: chr2-51028153-T-G. GRCh37 (hg19) VCF-style: chr2-51255291-T-G.
Other names: c.121A>C, p.Thr41Pro (NM_001135659.3, NM_001330077.2, NM_001330079.2 and 15 more transcripts); short protein forms T41P.
Identifiers: ClinVar variation 2717860 (VCV002717860.3), dbSNP rs2468085052, ClinGen allele CA346824665.

ClinVar aggregate classification (germline): Uncertain significance (1 of 4 stars; one submission).

Conditions:
Pitt-Hopkins-like syndrome 2 (PTHSL2). Identifiers: Orphanet 221150, Orphanet 600663, MedGen C3280479, MONDO:0013690, OMIM 614325.

Submission:

Labcorp Genetics (formerly Invitae), Labcorp
Classification: Uncertain significance for Pitt-Hopkins-like syndrome 2. Last evaluated: 2023-05-25. Review status: criteria provided, single submitter. Criteria: Invitae Variant Classification Sherloc (09022015). Collection method: clinical testing. Allele origin: germline.
Comment: In summary, the available evidence is currently insufficient to determine the role of this variant in disease. Therefore, it has been classified as a Variant of Uncertain Significance. This sequence change replaces threonine, which is neutral and polar, with proline, which is neutral and non-polar, at codon 41 of the NRXN1 protein (p.Thr41Pro). This variant is not present in population databases (gnomAD no frequency). An algorithm developed to predict the effect of missense changes on protein structure and function (PolyPhen-2) suggests that this variant is likely to be tolerated. This variant has not been reported in the literature in individuals affected with NRXN1-related conditions.